The following is an entry in ClinVar:

NM_001330.5(CTF1):c.473C>A (p.Thr158Asn)

Genes: CTF1 (cardiotrophin 1; plus strand), LOC130058878 (ATAC-STARR-seq lymphoblastoid silent region 7400; plus strand). Cytogenetic location: 16p11.2.
Variant type: single nucleotide variant.
Coding change: c.473C>A on transcript NM_001330.5 (MANE Select); coding-DNA position 473, C replaced by A.
Protein change: p.Thr158Asn; replaces threonine 158 with asparagine.
Molecular consequence: missense variant. On other transcripts: non-coding transcript variant (1).
Genome position (GRCh38, 1-based): chr16:30,902,406, C>A. VCF-style: chr16-30902406-C-A. GRCh37 (hg19) VCF-style: chr16-30913727-C-A.
Other names: c.470C>A, p.Thr157Asn (NM_001142544.3); short protein forms T157N, T158N.
Identifiers: ClinVar variation 1063274 (VCV001063274.9), dbSNP rs2143247242, ClinGen allele CA395619331.

ClinVar aggregate classification (germline): Uncertain significance (1 of 4 stars; one submission).

Submission:

Labcorp Genetics (formerly Invitae), Labcorp
Classification: Uncertain significance. Last evaluated: 2020-10-06. Review status: criteria provided, single submitter. Criteria: Invitae Variant Classification Sherloc (09022015). Collection method: clinical testing. Allele origin: germline.
Comment: In summary, the available evidence is currently insufficient to determine the role of this variant in disease. Therefore, it has been classified as a Variant of Uncertain Significance. Algorithms developed to predict the effect of missense changes on protein structure and function (SIFT, PolyPhen-2, Align-GVGD) all suggest that this variant is likely to be tolerated, but these predictions have not been confirmed by published functional studies and their clinical significance is uncertain. This variant has not been reported in the literature in individuals with CTF1-related conditions. The frequency data for this variant in the population databases is considered unreliable, as metrics indicate insufficient coverage at this position in the ExAC database. This sequence change replaces threonine with asparagine at codon 158 of the CTF1 protein (p.Thr158Asn). The threonine residue is weakly conserved and there is a small physicochemical difference between threonine and asparagine.